The following is an entry in ClinVar:

NM_000273.3(GPR143):c.3G>T (p.Met1Ile)

Gene: GPR143 (G protein-coupled receptor 143; minus strand). Cytogenetic location: Xp22.2.
Variant type: single nucleotide variant.
Coding change: c.3G>T on transcript NM_000273.3 (MANE Select); coding-DNA position 3, G replaced by T.
Protein change: p.Met1Ile; changes the start codon (methionine 1).
Molecular consequence: missense variant, initiator codon variant.
Genome position (GRCh38, 1-based): chrX:9,765,815, C>A on the plus strand (G>T on the coding strand, the complement: GPR143 is on the minus strand). VCF-style: chrX-9765815-C-A. GRCh37 (hg19) VCF-style: chrX-9733855-C-A.
Other names: short protein forms M1I.
Identifiers: ClinVar variation 2635351 (VCV002635351.1), dbSNP rs2518642504, ClinGen allele CA412001087.

ClinVar aggregate classification (germline): Likely pathogenic (1 of 4 stars; one submission).

Conditions:
GPR143-related disorder. Also called: GPR143-related condition.

Submission:

PreventionGenetics, part of Exact Sciences
Classification: Likely pathogenic for GPR143-related condition. Last evaluated: 2022-11-16. Review status: criteria provided, single submitter. Criteria: ACMG Guidelines, 2015. Collection method: clinical testing. Allele origin: germline.
Comment: The GPR143 c.3G>T variant is predicted to disrupt the translation initiation site (Start loss). To our knowledge, this variant has not been reported in the literature or in a large population database, indicating this variant is rare. Of note, different sequence variants that also affect the GPR143 start codon (c.2T>C and c.1A>G) have been reported in individuals with ocular albinism (Table S2 in Wang et al. 2019. PubMed ID: 31106028; Choi et al. 2021. PubMed ID: 34132631). Variants that disrupt the start codon are expected to be pathogenic and therefore we interpret c.3G>T as likely pathogenic.